The following continues an entry in ClinVar:

NM_000018.4(ACADVL):c.1844G>A (p.Arg615Gln)

Gene: ACADVL. ClinVar aggregate classification (germline): Likely benign. Likely benign (1).

Submissions 15 to 21 of 21:

PreventionGenetics, part of Exact Sciences
Classification: Likely benign for ACADVL-related condition. Last evaluated: 2024-08-20. Review status: no assertion criteria provided. Collection method: clinical testing. Allele origin: germline. Not counted in ClinVar's aggregate classification.
Comment: This variant is classified as likely benign based on ACMG/AMP sequence variant interpretation guidelines (Richards et al. 2015 PMID: 25741868, with internal and published modifications).

Natera, Inc.
Classification: Likely benign for Very long chain acyl-CoA dehydrogenase deficiency. Last evaluated: 2020-06-19. Review status: no assertion criteria provided. Collection method: clinical testing. Allele origin: germline. Not counted in ClinVar's aggregate classification.

Knight Diagnostic Laboratories, Oregon Health and Sciences University
Classification: Likely pathogenic for Very long chain acyl-CoA dehydrogenase deficiency. Last evaluated: 2014-10-13. Review status: no assertion criteria provided. Criteria: ACMG Guidelines, 2007. Collection method: clinical testing. Allele origin: germline. Inheritance: Autosomal recessive inheritance. Affected: no. Not counted in ClinVar's aggregate classification.

Clinical Genetics DNA and cytogenetics Diagnostics Lab, Erasmus MC, Erasmus Medical Center
Classification: Likely benign. Review status: no assertion criteria provided. Collection method: clinical testing. Allele origin: germline. Affected: yes. Study: VKGL Data-share Consensus. Not counted in ClinVar's aggregate classification.

Genome Diagnostics Laboratory, University Medical Center Utrecht
Classification: Likely benign. Review status: no assertion criteria provided. Collection method: clinical testing. Allele origin: germline. Affected: yes. Study: VKGL Data-share Consensus. Not counted in ClinVar's aggregate classification.

Joint Genome Diagnostic Labs from Nijmegen and Maastricht, Radboudumc and MUMC+
Classification: Likely benign. Review status: no assertion criteria provided. Collection method: clinical testing. Allele origin: germline. Affected: yes. Study: VKGL Data-share Consensus. Not counted in ClinVar's aggregate classification.

Laboratory of Diagnostic Genome Analysis, Leiden University Medical Center (LUMC)
Classification: Likely benign. Review status: no assertion criteria provided. Collection method: clinical testing. Allele origin: germline. Affected: yes. Study: VKGL Data-share Consensus. Not counted in ClinVar's aggregate classification.

Literature cited by the submitters: PubMed 10077518 (cited by 4 submitters); PubMed 17999356 (cited by 3 submitters); PubMed 21378393 (cited by Mayo Clinic Laboratories, Mayo Clinic and Women's Health and Genetics/Laboratory Corporation of America, LabCorp); PubMed 21932095 (cited by 3 submitters); PubMed 25087612 (cited by Mayo Clinic Laboratories, Mayo Clinic); PubMed 26453363 (cited by Mayo Clinic Laboratories, Mayo Clinic and Women's Health and Genetics/Laboratory Corporation of America, LabCorp); PubMed 27209629 (cited by Mayo Clinic Laboratories, Mayo Clinic and Women's Health and Genetics/Laboratory Corporation of America, LabCorp); PubMed 27884173 (cited by Mayo Clinic Laboratories, Mayo Clinic and Women's Health and Genetics/Laboratory Corporation of America, LabCorp); PubMed 28755359 (cited by Mayo Clinic Laboratories, Mayo Clinic and Women's Health and Genetics/Laboratory Corporation of America, LabCorp); PubMed 30194637 (cited by Mayo Clinic Laboratories, Mayo Clinic); PubMed 34485012 (cited by Mayo Clinic Laboratories, Mayo Clinic); PubMed 35281663 (cited by Mayo Clinic Laboratories, Mayo Clinic); PubMed 35626289 (cited by Mayo Clinic Laboratories, Mayo Clinic); PubMed 34426522 (cited by Women's Health and Genetics/Laboratory Corporation of America, LabCorp).